The following is an entry in ClinVar:

ClinVar aggregate classification (germline): Uncertain significance. Review status: criteria provided, multiple submitters, no conflicts (2 of 4 stars). 4 submissions from 4 submitters: Uncertain significance (2). 2 of the submissions do not count toward it. Last evaluated 2024-10-26.

Allele frequency attached by ClinVar (database versions not stated): gnomAD exomes 0.00002 and 0.00003; ExAC 0.00003; gnomAD 0.00005 and 0.00006; TOPMed 0.00006; ESP Exome Variant Server 0.00015.
gnomAD v4.1: 35 of 1,614,032 alleles (0.0022%); highest among the groups gnomAD compares: Admixed American, 0.0033%; no homozygotes.

Submissions (4):

Labcorp Genetics (formerly Invitae), Labcorp
Classification: Uncertain significance. Last evaluated: 2024-10-26. Review status: criteria provided, single submitter. Criteria: Invitae Variant Classification Sherloc (09022015). Collection method: clinical testing. Allele origin: germline.
Comment: This sequence change replaces proline, which is neutral and non-polar, with threonine, which is neutral and polar, at codon 2926 of the HSPG2 protein (p.Pro2926Thr). This variant is present in population databases (rs370487132, gnomAD 0.005%). This variant has not been reported in the literature in individuals affected with HSPG2-related conditions. ClinVar contains an entry for this variant (Variation ID: 1206106). An algorithm developed to predict the effect of missense changes on protein structure and function (PolyPhen-2) suggests that this variant is likely to be tolerated. In summary, the available evidence is currently insufficient to determine the role of this variant in disease. Therefore, it has been classified as a Variant of Uncertain Significance.

Revvity Omics, Revvity
Classification: Uncertain significance. Last evaluated: 2019-08-21. Review status: criteria provided, single submitter. Criteria: ACMG Guidelines, 2015. Collection method: clinical testing. Allele origin: germline.

Clinical Genetics DNA and cytogenetics Diagnostics Lab, Erasmus MC, Erasmus Medical Center
Classification: Likely benign. Review status: no assertion criteria provided. Collection method: clinical testing. Allele origin: germline. Affected: yes. Study: VKGL Data-share Consensus. Not counted in ClinVar's aggregate classification.

Laboratory of Diagnostic Genome Analysis, Leiden University Medical Center (LUMC)
Classification: Likely benign. Review status: no assertion criteria provided. Collection method: clinical testing. Allele origin: germline. Affected: yes. Study: VKGL Data-share Consensus. Not counted in ClinVar's aggregate classification.

NM_005529.7(HSPG2):c.8776C>A (p.Pro2926Thr)

Gene: HSPG2 (heparan sulfate proteoglycan 2; minus strand). Cytogenetic location: 1p36.12.
Variant type: single nucleotide variant.
Coding change: c.8776C>A on transcript NM_005529.7 (MANE Select); coding-DNA position 8776, C replaced by A.
Protein change: p.Pro2926Thr; replaces proline 2926 with threonine.
Molecular consequence: missense variant.
Genome position (GRCh38, 1-based): chr1:21,842,904, G>T on the plus strand (C>A on the coding strand, the complement: HSPG2 is on the minus strand). VCF-style: chr1-21842904-G-T. GRCh37 (hg19) VCF-style: chr1-22169397-G-T.
Other names: c.8779C>A, p.Pro2927Thr (NM_001291860.2); c.8776C>A (NM_005529.5); short protein forms P2926T, P2927T.
Identifiers: ClinVar variation 1206106 (VCV001206106.13), dbSNP rs370487132, ClinGen allele CA670657.